The following is an entry in ClinVar:

ClinVar aggregate classification (germline): Uncertain significance (1 of 4 stars; one submission).

Conditions:
Long QT syndrome (LQTS). Identifiers: MedGen C0023976, MeSH D008133, MONDO:0002442. Disease mechanism: loss of function. Inheritance: Various modes of inheritance.

Submission:

Labcorp Genetics (formerly Invitae), Labcorp
Classification: Uncertain significance for Long QT syndrome. Last evaluated: 2025-12-01. Review status: criteria provided, single submitter. Criteria: Invitae Variant Classification Sherloc (09022015). Collection method: clinical testing. Allele origin: germline.
Comment: This sequence change replaces leucine, which is neutral and non-polar, with valine, which is neutral and non-polar, at codon 1724 of the AKAP9 protein (p.Leu1724Val). This variant is not present in population databases (gnomAD no frequency). This variant has not been reported in the literature in individuals affected with AKAP9-related conditions. An algorithm developed to predict the effect of missense changes on protein structure and function (PolyPhen-2) suggests that this variant is likely to be disruptive. In summary, the available evidence is currently insufficient to determine the role of this variant in disease. Therefore, it has been classified as a Variant of Uncertain Significance.

NM_005751.5(AKAP9):c.5170C>G (p.Leu1724Val)

Gene: AKAP9 (A-kinase anchoring protein 9; plus strand). Cytogenetic location: 7q21.2.
Variant type: single nucleotide variant.
Coding change: c.5170C>G on transcript NM_005751.5 (MANE Select); coding-DNA position 5170, C replaced by G.
Protein change: p.Leu1724Val; replaces leucine 1724 with valine.
Molecular consequence: missense variant.
Genome position (GRCh38, 1-based): chr7:92,045,015, C>G. VCF-style: chr7-92045015-C-G. GRCh37 (hg19) VCF-style: chr7-91674329-C-G.
Other names: c.5170C>G, p.Leu1724Val (NM_147185.3); short protein forms L1724V.
Identifiers: ClinVar variation 4779770 (VCV004779770.1).